The following is an entry in ClinVar:

ClinVar aggregate classification (germline): Uncertain significance. Review status: criteria provided, multiple submitters, no conflicts (2 of 4 stars). 2 submissions from 2 submitters: Uncertain significance (2). Last evaluated 2025-06-17.

Conditions:
RYR1-related disorder. Also called: RYR1-related condition; RYR1-related disorders. Identifiers: MedGen CN239331.

Submissions (2):

GeneDx
Classification: Uncertain significance. Last evaluated: 2025-06-17. Review status: criteria provided, single submitter. Criteria: GeneDx Variant Classification Process June 2021. Collection method: clinical testing. Allele origin: germline. Affected: yes.
Comment: Not observed at significant frequency in large population cohorts (gnomAD); In silico analysis supports that this missense variant has a deleterious effect on protein structure/function; Has not been previously published as pathogenic or benign to our knowledge

Labcorp Genetics (formerly Invitae), Labcorp
Classification: Uncertain significance for RYR1-related disorder. Last evaluated: 2023-12-28. Review status: criteria provided, single submitter. Criteria: Invitae Variant Classification Sherloc (09022015). Collection method: clinical testing. Allele origin: germline.
Comment: This sequence change replaces threonine, which is neutral and polar, with alanine, which is neutral and non-polar, at codon 1537 of the RYR1 protein (p.Thr1537Ala). This variant is not present in population databases (gnomAD no frequency). This variant has not been reported in the literature in individuals affected with RYR1-related conditions. Advanced modeling of protein sequence and biophysical properties (such as structural, functional, and spatial information, amino acid conservation, physicochemical variation, residue mobility, and thermodynamic stability) performed at Invitae indicates that this missense variant is not expected to disrupt RYR1 protein function with a negative predictive value of 95%. In summary, the available evidence is currently insufficient to determine the role of this variant in disease. Therefore, it has been classified as a Variant of Uncertain Significance.

NM_000540.3(RYR1):c.4609A>G (p.Thr1537Ala)

Gene: RYR1 (ryanodine receptor 1; plus strand). Cytogenetic location: 19q13.2.
Variant type: single nucleotide variant.
Coding change: c.4609A>G on transcript NM_000540.3 (MANE Select); coding-DNA position 4609, A replaced by G.
Protein change: p.Thr1537Ala; replaces threonine 1537 with alanine.
Molecular consequence: missense variant.
Genome position (GRCh38, 1-based): chr19:38,478,589, A>G. VCF-style: chr19-38478589-A-G. GRCh37 (hg19) VCF-style: chr19-38969229-A-G.
Other names: c.4609A>G, p.Thr1537Ala (NM_001042723.2); short protein forms T1537A.
Identifiers: ClinVar variation 2706053 (VCV002706053.4), dbSNP rs2514185665, ClinGen allele CA405648240.